The following is an entry in ClinVar:

NM_000038.6(APC):c.531+1340C>T

Gene: APC (APC regulator of WNT signaling pathway; plus strand). Cytogenetic location: 5q22.2.
Variant type: single nucleotide variant.
Coding change: c.531+1340C>T on transcript NM_000038.6 (MANE Select); 1340 bases into the intron after coding-DNA position 531, C replaced by T.
Molecular consequence: intron variant.
Genome position (GRCh38, 1-based): chr5:112,777,077, C>T. VCF-style: chr5-112777077-C-T. GRCh37 (hg19) VCF-style: chr5-112112774-C-T.
Other names: c.531+1340C>T (NM_001354895.2, NM_001127510.3, NM_001354896.2 and 2 more transcripts); c.561+1340C>T (NM_001354897.2, NM_001354902.2, NM_001127511.3); c.456+1340C>T (NM_001354898.2, NM_001354904.2); c.-505+1340C>T (NM_001354906.2); c.354+1340C>T (NM_001354900.2, NM_001354901.2, NM_001354905.2).
Identifiers: ClinVar variation 82919 (VCV000082919.2), dbSNP rs77722471, ClinGen allele CA010076.

ClinVar aggregate classification (germline): other (0 of 4 stars; one submission).

Conditions:
Familial colorectal cancer. Identifiers: MedGen CN280943, MONDO:0023113. Disease mechanism: loss of function.

Allele frequency attached by ClinVar (database versions not stated): gnomAD 0.00089 and 0.00118; TOPMed 0.00140; 1000 Genomes Project 0.00639; 1000 Genomes Project 30x 0.00687.
gnomAD v4.1: 183 of 152,070 alleles (0.12%); highest among the groups gnomAD compares: East Asian, 2.9%; 2 homozygotes.

Submission:

Systems Biology Platform Zhejiang California International NanoSystems Institute
Classification: other for Familial colorectal cancer. Review status: no assertion criteria provided. Collection method: not provided. Allele origin: unknown.
ClinVar note: Converted during submission from cancer to other.